The following is an entry in ClinVar:

ClinVar aggregate classification (germline): Uncertain significance (1 of 4 stars; one submission).

Conditions:
Inborn genetic diseases. Identifiers: MedGen C0950123, MeSH D030342.

gnomAD v4.1: 1 of 1,614,100 alleles (0.000062%); highest among the groups gnomAD compares: Non-Finnish European, 0.000085%; no homozygotes.

Submission:

Ambry Genetics
Classification: Uncertain significance for Inborn genetic diseases. Last evaluated: 2025-08-19. Review status: criteria provided, single submitter. Criteria: Ambry Variant Classification Scheme 2023. Collection method: clinical testing. Allele origin: germline.
Comment: The p.E1132A variant (also known as c.3395A>C), located in coding exon 14 of the FANCM gene, results from an A to C substitution at nucleotide position 3395. The glutamic acid at codon 1132 is replaced by alanine, an amino acid with dissimilar properties. This amino acid position is conserved. In addition, this alteration is predicted to be tolerated by in silico analysis. Based on the available evidence, the clinical significance of this variant remains unclear.

NM_020937.4(FANCM):c.3395A>C (p.Glu1132Ala)

Gene: FANCM (FA complementation group M; plus strand). Cytogenetic location: 14q21.2.
Variant type: single nucleotide variant.
Coding change: c.3395A>C on transcript NM_020937.4 (MANE Select); coding-DNA position 3395, A replaced by C.
Protein change: p.Glu1132Ala; replaces glutamic acid 1132 with alanine.
Molecular consequence: missense variant.
Genome position (GRCh38, 1-based): chr14:45,176,149, A>C. VCF-style: chr14-45176149-A-C. GRCh37 (hg19) VCF-style: chr14-45645352-A-C.
Other names: c.3317A>C, p.Glu1106Ala (NM_001308133.2); short protein forms E1132A, E1106A.
Identifiers: ClinVar variation 4254681 (VCV004254681.1).